The following is an entry in ClinVar:

NM_000046.5(ARSB):c.*1469C>T

Gene: ARSB (arylsulfatase B; minus strand). Cytogenetic location: 5q14.1.
Variant type: single nucleotide variant.
Coding change: c.*1469C>T on transcript NM_000046.5 (MANE Select); 1469 bases downstream of the stop codon, C replaced by T.
Molecular consequence: 3 prime UTR variant.
Genome position (GRCh38, 1-based): chr5:78,778,928, G>A on the plus strand (C>T on the coding strand, the complement: ARSB is on the minus strand). VCF-style: chr5-78778928-G-A. GRCh37 (hg19) VCF-style: chr5-78074751-G-A.
Identifiers: ClinVar variation 354283 (VCV000354283.6), dbSNP rs55710452, ClinGen allele CA10620831.

ClinVar aggregate classification (germline): Benign. Review status: criteria provided, multiple submitters, no conflicts (2 of 4 stars). 2 submissions from 2 submitters: Benign (2). Last evaluated 2018-01-13.

Conditions:
Mucopolysaccharidosis type 6 (MPS6). Also called: ARSB DEFICIENCY; ARYLSULFATASE B DEFICIENCY; MPS VI; N-ACETYLGALACTOSAMINE-4-SULFATASE DEFICIENCY; MPS 6; Maroteaux Lamy syndrome. Identifiers: Orphanet 583, MedGen C0026709, MONDO:0009661, OMIM 253200.

Allele frequency attached by ClinVar (database versions not stated): 1000 Genomes Project 30x 0.04169; 1000 Genomes Project 0.04273; TOPMed 0.06194; gnomAD 0.06539 and 0.06599; gnomAD exomes 0.08333.
gnomAD v4.1: 9,994 of 152,200 alleles (6.6%); highest among the groups gnomAD compares: Middle Eastern, 13%; 415 homozygotes.

Submissions (2):

Illumina Laboratory Services, Illumina
Classification: Benign for Mucopolysaccharidosis type 6. Last evaluated: 2018-01-13. Review status: criteria provided, single submitter. Criteria: ICSL Variant Classification Criteria 13 December 2019. Collection method: clinical testing. Allele origin: germline.
Comment: This variant was observed in the ICSL laboratory as part of a predisposition screen in an ostensibly healthy population. It had not been previously curated by ICSL or reported in the Human Gene Mutation Database (HGMD: prior to June 1st, 2018), and was therefore a candidate for classification through an automated scoring system. Utilizing variant allele frequency, disease prevalence and penetrance estimates, and inheritance mode, an automated score was calculated to assess if this variant is too frequent to cause the disease. Based on the score and internal cut-off values, a variant classified as benign is not then subjected to further curation. The score for this variant resulted in a classification of benign for this disease.

Breakthrough Genomics
Classification: Benign. Review status: criteria provided, single submitter. Criteria: ACMG Guidelines, 2015. Collection method: not provided. Allele origin: germline. Inheritance: Autosomal recessive inheritance. Affected: yes.